The following is an entry in ClinVar:

ClinVar aggregate classification (germline): Uncertain significance. Review status: criteria provided, multiple submitters, no conflicts (2 of 4 stars). 2 submissions from 2 submitters: Uncertain significance (2). Last evaluated 2025-02-11.

Conditions:
Dyskeratosis congenita, autosomal dominant 1 (DKCA1). Also called: Dyskeratosis congenita Scoggins type. Identifiers: Orphanet 1775, MedGen C4551974, MONDO:0007485, OMIM 127550. Inheritance: Variable.

gnomAD v4.1: 2 of 765,252 alleles (0.00026%); highest among the groups gnomAD compares: African/African-American, 0.0017%; no homozygotes.

Submissions (2):

Labcorp Genetics (formerly Invitae), Labcorp
Classification: Uncertain significance for Dyskeratosis congenita, autosomal dominant 1. Last evaluated: 2025-02-11. Review status: criteria provided, single submitter. Criteria: Invitae Variant Classification Sherloc (09022015). Collection method: clinical testing. Allele origin: germline.
Comment: This variant occurs in the TERC gene, which encodes an RNA molecule that does not result in a protein product. This variant is not present in population databases (gnomAD no frequency). This variant has been observed in individual(s) with pulmonary fibrosis or short telemore (PMID: 24833766, 29463756). ClinVar contains an entry for this variant (Variation ID: 1056990). This variant is located within the template/pseudoknot domain of the TERC RNA component, which is required for RNA or RNP stability (PMID: 15082312, 21844345). This variant is located in a region of TERC in which a significant number of disease causing variants have been reported (PMID: 15082312, 21844345, 21931702). These observations suggest that this may be a clinically significant region. In summary, the available evidence is currently insufficient to determine the role of this variant in disease. Therefore, it has been classified as a Variant of Uncertain Significance.

Mayo Clinic Laboratories, Mayo Clinic
Classification: Uncertain significance. Last evaluated: 2020-12-02. Review status: criteria provided, single submitter. Criteria: ACMG Guidelines, 2015. Collection method: clinical testing. Allele origin: germline. Observed: 1 variant allele.

Literature cited by the submitters: PubMed 24833766 (cited by Labcorp Genetics (formerly Invitae), Labcorp); PubMed 29463756 (cited by Labcorp Genetics (formerly Invitae), Labcorp); PubMed 15082312 (cited by Labcorp Genetics (formerly Invitae), Labcorp); PubMed 21844345 (cited by Labcorp Genetics (formerly Invitae), Labcorp); PubMed 21931702 (cited by Labcorp Genetics (formerly Invitae), Labcorp).

NR_001566.3(TERC):n.35C>A

Genes: TERC (telomerase RNA component; minus strand), LOC110806306 (telomerase RNA component (TERC) promoter; plus strand). Cytogenetic location: 3q26.2.
Variant type: single nucleotide variant.
Genome position: GRCh38 VCF-style: chr3-169765026-G-T. GRCh37 (hg19) VCF-style: chr3-169482814-G-T.
Identifiers: ClinVar variation 1056990 (VCV001056990.14), dbSNP rs199422260, ClinGen allele CA436715993.